The following is an entry in ClinVar:

ClinVar aggregate classification (germline): Benign/Likely benign (0 of 4 stars; one submission).

Submission:

ISCA site 4
Classification: Benign/Likely benign. Last evaluated: 2012-09-21. Review status: no assertion criteria provided. Collection method: clinical testing. Allele origin: unknown. Affected: yes. Observed: 3 variant alleles. Clinical features observed: Abnormality of the nervous system (HP:0000707), Constipation (HP:0002019), Stereotypic behavior (HP:0000733), Failure to thrive (HP:0001508), Lactic acidosis (HP:0003128), Global developmental delay (HP:0001263), Developmental delay AND/OR other significant developmental or morphological phenotypes.
Comment: Likely benign (2), Benign (1)

Copy number variation identified through the course of routine clinical cytogenomic testing in postnatal populations, with clinical assertions as classified by the original submitter.

GRCh38/hg38 7q11.23(chr7:76509969-76927755)x3

Genes: LINC03009 (long intergenic non-protein coding RNA 3009; plus strand), POMZP3 (POM121 and ZP3 fusion; minus strand), SPDYE16 (speedy/RINGO cell cycle regulator family member E16; minus strand), UPK3B (uroplakin 3B; plus strand), LOC108228209 (7q11.23 distal recombination region; plus strand) and 1 more. Cytogenetic location: 7q11.23.
Variant type: copy number gain.
Change: copy number 3 (three copies instead of two) of chr7:76,509,969-76,927,755 (417.8 kb, GRCh38 coordinates, 1-based), cytogenetic band 7q11.23.
Identifiers: ClinVar variation 146732 (VCV000146732.2).